The following is an entry in ClinVar:

ClinVar aggregate classification (germline): Uncertain significance (1 of 4 stars; one submission).

Conditions:
Hypertrophic cardiomyopathy. Also called: HYPERTROPHIC MYOCARDIOPATHY. Identifiers: Orphanet 217569, MedGen C0007194, MeSH D002312, MONDO:0005045, HP:0001639.

Allele frequency attached by ClinVar (database versions not stated): gnomAD exomes 0.00001.
gnomAD v4.1: 6 of 1,599,506 alleles (0.00038%); highest among the groups gnomAD compares: East Asian, 0.014%; 1 homozygote.

Submission:

Labcorp Genetics (formerly Invitae), Labcorp
Classification: Uncertain significance for Hypertrophic cardiomyopathy. Last evaluated: 2023-07-07. Review status: criteria provided, single submitter. Criteria: Invitae Variant Classification Sherloc (09022015). Collection method: clinical testing. Allele origin: germline.
Comment: This sequence change falls in intron 1 of the MYBPC3 gene. It does not directly change the encoded amino acid sequence of the MYBPC3 protein. It affects a nucleotide within the consensus splice site. This variant is not present in population databases (gnomAD no frequency). This variant has not been reported in the literature in individuals affected with MYBPC3-related conditions. ClinVar contains an entry for this variant (Variation ID: 2116997). Variants that disrupt the consensus splice site are a relatively common cause of aberrant splicing (PMID: 17576681, 9536098). Algorithms developed to predict the effect of sequence changes on RNA splicing suggest that this variant is not likely to affect RNA splicing. In summary, the available evidence is currently insufficient to determine the role of this variant in disease. Therefore, it has been classified as a Variant of Uncertain Significance.

Literature cited by the submitters: PubMed 17576681; PubMed 9536098.

NM_000256.3(MYBPC3):c.25+5C>T

Gene: MYBPC3 (myosin binding protein C3; minus strand). Cytogenetic location: 11p11.2.
Variant type: single nucleotide variant.
Coding change: c.25+5C>T on transcript NM_000256.3 (MANE Select); 5 bases into the intron after coding-DNA position 25, C replaced by T.
Molecular consequence: intron variant.
Genome position (GRCh38, 1-based): chr11:47,352,618, G>A on the plus strand (C>T on the coding strand, the complement: MYBPC3 is on the minus strand). VCF-style: chr11-47352618-G-A. GRCh37 (hg19) VCF-style: chr11-47374169-G-A.
Identifiers: ClinVar variation 2116997 (VCV002116997.4), dbSNP rs2095901957, ClinGen allele CA1969343245.